The following is an entry in ClinVar:

ClinVar aggregate classification (germline): Conflicting classifications of pathogenicity. Review status: criteria provided, conflicting classifications (1 of 4 stars). 6 submissions from 6 submitters: Uncertain significance (2); Likely benign (4). Last evaluated 2026-05-25.

Conditions:
Dilated cardiomyopathy 1JJ (CMD1JJ). Identifiers: Orphanet 154, MedGen C3808935, MONDO:0014095, OMIM 615235.
Cardiovascular phenotype. Identifiers: MedGen CN230736.

Allele frequency attached by ClinVar (database versions not stated): 1000 Genomes Project 30x 0.00016; 1000 Genomes Project 0.00020; TOPMed 0.00041; ExAC 0.00006; ESP Exome Variant Server 0.00031; gnomAD 0.00040 and 0.00043.
gnomAD v4.1: 111 of 1,614,096 alleles (0.0069%); highest among the groups gnomAD compares: African/African-American, 0.14%; no homozygotes.

Submissions (6):

Women's Health and Genetics/Laboratory Corporation of America, LabCorp
Classification: Likely benign. Last evaluated: 2026-05-25. Review status: criteria provided, single submitter. Criteria: LabCorp Variant Classification Summary - May 2015. Collection method: clinical testing. Allele origin: germline.

Labcorp Genetics (formerly Invitae), Labcorp
Classification: Likely benign for Dilated cardiomyopathy 1JJ. Last evaluated: 2026-02-01. Review status: criteria provided, single submitter. Criteria: Invitae Variant Classification Sherloc (09022015). Collection method: clinical testing. Allele origin: germline.

GeneDx
Classification: Uncertain significance. Last evaluated: 2023-06-05. Review status: criteria provided, single submitter. Criteria: GeneDx Variant Classification Process June 2021. Collection method: clinical testing. Allele origin: germline. Affected: yes.
Comment: Has not been previously published as pathogenic or benign to our knowledge; In silico analysis supports that this missense variant has a deleterious effect on protein structure/function

Ambry Genetics
Classification: Likely benign for Cardiovascular phenotype. Last evaluated: 2021-09-17. Review status: criteria provided, single submitter. Criteria: Ambry Variant Classification Scheme 2023. Collection method: clinical testing. Allele origin: germline.

ARUP Laboratories, Molecular Genetics and Genomics, ARUP Laboratories
Classification: Likely benign for Dilated cardiomyopathy 1JJ. Last evaluated: 2020-10-01. Review status: criteria provided, single submitter. Criteria: ARUP Molecular Germline Variant Investigation Process 2021. Collection method: clinical testing. Allele origin: germline.

Laboratory for Molecular Medicine, Mass General Brigham Personalized Medicine
Classification: Uncertain significance. Last evaluated: 2015-05-01. Review status: criteria provided, single submitter. Criteria: LMM Criteria. Collection method: clinical testing. Allele origin: germline. Observed: 1 variant allele.
Comment: The p.Asn85Ser variant in LAMA4 has not been previously reported in individuals with cardiomyopathy, but has been identified in 6/10402 African chromosomes by t he Exome Aggregation Consortium (ExAC; dbSNP rs1 45301300). Computational prediction tools and conservation analysis do not provi de strong support for or against an impact to the protein. In summary, the clini cal significance of the p.Asn85Ser variant is uncertain.

NM_001105206.3(LAMA4):c.254A>G (p.Asn85Ser)

Gene: LAMA4 (laminin subunit alpha 4; minus strand). Cytogenetic location: 6q21.
Variant type: single nucleotide variant.
Coding change: c.254A>G on transcript NM_001105206.3 (MANE Select); coding-DNA position 254, A replaced by G.
Protein change: p.Asn85Ser; replaces asparagine 85 with serine.
Molecular consequence: missense variant.
Genome position (GRCh38, 1-based): chr6:112,216,411, T>C on the plus strand (A>G on the coding strand, the complement: LAMA4 is on the minus strand). VCF-style: chr6-112216411-T-C. GRCh37 (hg19) VCF-style: chr6-112537612-T-C.
Other names: c.254A>G, p.Asn85Ser (NM_001105207.3, NM_002290.5); short protein forms N85S.
Identifiers: ClinVar variation 228780 (VCV000228780.26), dbSNP rs145301300, ClinGen allele CA3966260.
Genomic context (GRCh38, chr6:112,216,411, plus strand): 5'-TAGGTGCCCCAACTTACCACACAGTATCCTGAGCCGTCCAAACACTCGTTGGAATTGCCA[T>C]TACAGTCGCAGGGCACACATTCTCCCGACAGGGTGTGAAAGAATCCAGCATTGCATTTCT-3'
Protein context (NP_001098676.2, residues 75-95): LSGECVPCDC[Asn85Ser]GNSNECLDGS